The following is an entry in ClinVar:

ClinVar aggregate classification (germline): Uncertain significance (1 of 4 stars; one submission).

Allele frequency attached by ClinVar (database versions not stated): TOPMed below 0.00001.

Submission:

CeGaT Center for Human Genetics Tuebingen
Classification: Uncertain significance. Last evaluated: 2022-11-01. Review status: criteria provided, single submitter. Criteria: CeGaT Center For Human Genetics Tuebingen Variant Classification Criteria Version 2. Collection method: clinical testing. Allele origin: germline. Affected: yes. Observed: 1 variant allele.
Comment: TTN: PM2, BP4

NM_001267550.2(TTN):c.29604+6C>T

Gene: TTN (titin; minus strand). Cytogenetic location: 2q31.2.
Variant type: single nucleotide variant.
Coding change: c.29604+6C>T on transcript NM_001267550.2 (MANE Select); 6 bases into the intron after coding-DNA position 29604, C replaced by T.
Molecular consequence: intron variant.
Genome position (GRCh38, 1-based): chr2:178,705,168, G>A on the plus strand (C>T on the coding strand, the complement: TTN is on the minus strand). VCF-style: chr2-178705168-G-A. GRCh37 (hg19) VCF-style: chr2-179569895-G-A.
Other names: c.13282+32914C>T (NM_003319.4); c.13858+32914C>T (NM_133437.4); c.13657+32914C>T (NM_133432.3); c.25872+6C>T (NM_133378.4); c.28653+6C>T (NM_001256850.1).
Identifiers: ClinVar variation 1879506 (VCV001879506.29), dbSNP rs1577714544, ClinGen allele CA1310586837.